The following is an entry in ClinVar:

NM_000155.4(GALT):c.508-2_509del

Gene: GALT (galactose-1-phosphate uridylyltransferase; plus strand). Cytogenetic location: 9p13.3.
Variant type: Deletion.
Coding change: c.508-2_509del on transcript NM_000155.4 (MANE Select); the canonical splice acceptor site of the intron before coding-DNA position 508 through coding-DNA position 509, 4 bases deleted (AGAT; older notation c.508-2_509delAGAT).
Molecular consequence: splice acceptor variant.
Genome position (GRCh38, 1-based): chr9:34,648,113-34,648,116, AGAT deleted; deleting any 4 consecutive bases within chr9:34,648,110-34,648,116 gives the same sequence; the c. name uses the placement nearest the transcript's 3' end. VCF-style (leftmost placement, unchanged base first): chr9-34648109-TGATA-T. GRCh37 (hg19) VCF-style: chr9-34648106-TGATA-T.
Other names: c.181-2_182del (NM_001258332.2).
Identifiers: ClinVar variation 1067186 (VCV001067186.8), dbSNP rs2132343638, ClinGen allele CA2499219851.

ClinVar aggregate classification (germline): Pathogenic (1 of 4 stars; one submission).

Conditions:
Deficiency of UDPglucose-hexose-1-phosphate uridylyltransferase. Also called: Transferase Deficiency Galactosemia; GALACTOSE-1-PHOSPHATE URIDYLYLTRANSFERASE DEFICIENCY; GALT deficiency; Galactosemia, classic; GALACTOSEMIA I. Identifiers: Orphanet 352, Orphanet 79239, MedGen C0268151, MONDO:0009258, OMIM 230400.

Submission:

Labcorp Genetics (formerly Invitae), Labcorp
Classification: Pathogenic for Deficiency of UDPglucose-hexose-1-phosphate uridylyltransferase. Last evaluated: 2023-11-07. Review status: criteria provided, single submitter. Criteria: Invitae Variant Classification Sherloc (09022015). Collection method: clinical testing. Allele origin: germline.
Comment: This variant results in the deletion of part of exon 6 (c.508-2_509del) of the GALT gene. It is expected to disrupt RNA splicing. Variants that disrupt the donor or acceptor splice site typically lead to a loss of protein function (PMID: 16199547), and loss-of-function variants in GALT are known to be pathogenic (PMID: 22944367). This variant is not present in population databases (gnomAD no frequency). This variant has been observed in individual(s) with classic galactosemia (PMID: 31194895). In at least one individual the data is consistent with being in trans (on the opposite chromosome) from a pathogenic variant. ClinVar contains an entry for this variant (Variation ID: 1067186). Studies have shown that this variant is associated with inconclusive levels of altered splicing (PMID: 31194895). For these reasons, this variant has been classified as Pathogenic.

Literature cited by the submitters: PubMed 16199547; PubMed 22944367; PubMed 31194895.